The following is an entry in ClinVar:

ClinVar aggregate classification (germline): Uncertain significance (1 of 4 stars; one submission).

Conditions:
X-linked Alport syndrome (ATS1). Also called: NEPHROPATHY AND DEAFNESS, X-LINKED; COL4A5-Related Nephropathy. Identifiers: Orphanet 63, Orphanet 88917, MedGen C4746986, MONDO:0010520, OMIM 301050.

Submission:

MVZ Medizinische Genetik Mainz
Classification: Uncertain significance for X-linked Alport syndrome. Last evaluated: 2026-05-20. Review status: criteria provided, single submitter. Criteria: UK Practice Guidelines For Variant Classification V4 01 2020. Collection method: clinical testing. Allele origin: germline. Inheritance: X-linked dominant inheritance. Affected: yes. Observed: 1 variant allele.
Comment: ACMG Criteria: PM2_SUP,PP4

NM_033380.3(COL4A5):c.4529-2347T>C

Gene: COL4A5 (collagen type IV alpha 5 chain; plus strand). Cytogenetic location: Xq22.3.
Variant type: single nucleotide variant.
Coding change: c.4529-2347T>C on transcript NM_033380.3 (MANE Select); 2347 bases into the intron before coding-DNA position 4529, T replaced by C.
Molecular consequence: intron variant.
Genome position (GRCh38, 1-based): chrX:108,690,401, T>C. VCF-style: chrX-108690401-T-C. GRCh37 (hg19) VCF-style: chrX-107933631-T-C.
Other names: c.4511-2347T>C (NM_000495.5).
Identifiers: ClinVar variation 4857260 (VCV004857260.1).